The following is an entry in ClinVar:

ClinVar aggregate classification (germline): Benign (1 of 4 stars; one submission).

Allele frequency attached by ClinVar (database versions not stated): 1000 Genomes Project 0.03315; 1000 Genomes Project 30x 0.03451; TOPMed 0.06661; gnomAD 0.06798 and 0.07016.
gnomAD v4.1: 10,447 of 152,236 alleles (6.9%); highest among the groups gnomAD compares: Non-Finnish European, 11%; 522 homozygotes.

Submission:

GeneDx
Classification: Benign. Last evaluated: 2018-06-16. Review status: criteria provided, single submitter. Criteria: GeneDx Variant Classification (06012015). Collection method: clinical testing. Allele origin: germline. Affected: yes.
Comment: This variant is considered likely benign or benign based on one or more of the following criteria: it is a conservative change, it occurs at a poorly conserved position in the protein, it is predicted to be benign by multiple in silico algorithms, and/or has population frequency not consistent with disease.

NM_001128159.3(VPS53):c.219-230A>G

Gene: VPS53 (VPS53 subunit of GARP complex; minus strand). Cytogenetic location: 17p13.3.
Variant type: single nucleotide variant.
Coding change: c.219-230A>G on transcript NM_001128159.3 (MANE Select); 230 bases into the intron before coding-DNA position 219, A replaced by G.
Molecular consequence: intron variant.
Genome position (GRCh38, 1-based): chr17:697,714, T>C on the plus strand (A>G on the coding strand, the complement: VPS53 is on the minus strand). VCF-style: chr17-697714-T-C. GRCh37 (hg19) VCF-style: chr17-600954-T-C.
Other names: c.219-230A>G (NM_018289.4, NM_001366253.2); c.-474-230A>G (NM_001366254.2).
Identifiers: ClinVar variation 672716 (VCV000672716.1), dbSNP rs75533558, ClinGen allele CA286673763.
Genomic context (GRCh38, chr17:697,714, plus strand): 5'-CGTGCGGGAAGTCAAGCCCAGTGCAGGCTGATGCATCGCCTTGTTGTTAAAAATGCCTAT[T>C]TTCACTTAATAGTCAGAGCTATCTGAAAGGACTAATAAAATCTGCAGGATTTTTCATGGA-3'